The following is an entry in ClinVar:

NM_000719.7(CACNA1C):c.2542GAG[2] (p.Glu850del)

Gene: CACNA1C (calcium voltage-gated channel subunit alpha1 C; plus strand). Cytogenetic location: 12p13.33.
Variant type: Microsatellite.
Coding change: c.2542GAG[2] on transcript NM_000719.7 (MANE Select); two copies in a row of the 3-base unit GAG starting at c.2542; the reference has three copies in a row; one copy, 3 bases deleted; also written c.2548_2550del.
Protein change: p.Glu850del; deletes glutamic acid 850.
Molecular consequence: inframe deletion.
Genome position (GRCh38, 1-based): chr12:2,593,230-2,593,232, GAG deleted; deleting any 3 consecutive bases within chr12:2,593,224-2,593,232 gives the same sequence; the position shown is the placement nearest the transcript's 3' end. VCF-style (leftmost placement, unchanged base first): chr12-2593223-TGAG-T. GRCh37 (hg19) VCF-style: chr12-2702389-TGAG-T.
Other names: c.2548_2550delGAG (NM_199460.3, NM_001129841.1, NM_000719.7); c.2542GAG[2] (NM_199460.3); c.2542GAG[2], p.Glu850del (NM_001129840.2, NM_001129841.2, NM_001129842.2 and 18 more transcripts); c.2533GAG[2], p.Glu847del (NM_001129844.2); c.2548_2550del (NM_000719.6, NM_199460.3); short protein forms E850del, E847del.
Identifiers: ClinVar variation 155776 (VCV000155776.58), dbSNP rs575583988, ClinGen allele CA241148.
Genomic context (GRCh38, chr12:2,593,223, plus strand): 5'-AATAAGTGGGAGTGCTGGAGTTATTTAGAATGGTGCTGTTCTTCTTACAGGAGAAGAGGA[TGAG>T]GAGGAGCCAGAGATGCCTGTCGGCCCTCGCCCACGACCACTCTCTGAGCTTCACCTTAAG-3'

ClinVar aggregate classification (germline): Conflicting classifications of pathogenicity. Review status: criteria provided, conflicting classifications (1 of 4 stars). 12 submissions from 12 submitters: Uncertain significance (3); Benign (1); Likely benign (8). Last evaluated 2026-07-01.

Conditions:
CACNA1C-related disorder. Also called: CACNA1C-related disorders; CACNA1C-related condition. Identifiers: MedGen CN381092, MONDO:0700321.
Cardiovascular phenotype. Identifiers: MedGen CN230736.
Long QT syndrome (LQTS). Identifiers: MedGen C0023976, MeSH D008133, MONDO:0002442. Disease mechanism: loss of function. Inheritance: Various modes of inheritance.
Timothy syndrome (TS). Also called: LONG QT SYNDROME WITH SYNDACTYLY. Identifiers: Orphanet 65283, MedGen C1832916, MeSH C536962, MONDO:0010979, OMIM 601005.

Submissions (12):

CeGaT Center for Human Genetics Tuebingen
Classification: Likely benign. Last evaluated: 2026-07-01. Review status: criteria provided, single submitter. Criteria: CeGaT Center For Human Genetics Tuebingen Variant Classification Criteria Version 2. Collection method: clinical testing. Allele origin: germline. Affected: yes. Observed: 4 variant alleles.
Comment: CACNA1C: PM4:Supporting, BS1

Labcorp Genetics (formerly Invitae), Labcorp
Classification: Likely benign for Long QT syndrome. Last evaluated: 2025-12-24. Review status: criteria provided, single submitter. Criteria: Invitae Variant Classification Sherloc (09022015). Collection method: clinical testing. Allele origin: germline.

PreventionGenetics, part of Exact Sciences
Classification: Likely benign for CACNA1C-related condition. Last evaluated: 2025-12-23. Review status: criteria provided, single submitter. Criteria: ACMG Guidelines, 2015. Collection method: clinical testing. Allele origin: germline.
Comment: This variant is classified as likely benign based on ACMG/AMP sequence variant interpretation guidelines (Richards et al. 2015 PMID: 25741868, with internal and published modifications).

Genomic Medicine Center of Excellence, King Faisal Specialist Hospital and Research Centre
Classification: Likely benign for Timothy syndrome. Last evaluated: 2025-09-10. Review status: criteria provided, single submitter. Criteria: ACMG Guidelines, 2015. Collection method: clinical testing. Allele origin: germline.

Women's Health and Genetics/Laboratory Corporation of America, LabCorp
Classification: Likely benign. Last evaluated: 2025-04-17. Review status: criteria provided, single submitter. Criteria: LabCorp Variant Classification Summary - May 2015. Collection method: clinical testing. Allele origin: germline.

Molecular Diagnostic Laboratory for Inherited Cardiovascular Disease, Montreal Heart Institute
Classification: Uncertain significance for Cardiovascular phenotype. Last evaluated: 2025-04-09. Review status: criteria provided, single submitter. Criteria: ACMG Guidelines, 2015. Collection method: clinical testing. Allele origin: germline. Affected: yes.

Blueprint Genetics
Classification: Likely benign. Last evaluated: 2024-11-19. Review status: criteria provided, single submitter. Criteria: ACMG Guidelines, 2015. Collection method: clinical testing. Allele origin: germline.

Mendelics
Classification: Benign for Timothy syndrome. Last evaluated: 2023-08-22. Review status: criteria provided, single submitter. Criteria: Mendelics Assertion Criteria 2019. Collection method: clinical testing. Allele origin: germline.

GeneDx
Classification: Likely benign. Last evaluated: 2022-11-04. Review status: criteria provided, single submitter. Criteria: GeneDx Variant Classification Process June 2021. Collection method: clinical testing. Allele origin: germline. Affected: yes.
Comment: See Variant Classification Assertion Criteria.

Ambry Genetics
Classification: Likely benign for Cardiovascular phenotype. Last evaluated: 2022-05-04. Review status: criteria provided, single submitter. Criteria: Ambry Variant Classification Scheme 2023. Collection method: clinical testing. Allele origin: germline.

Centre for Mendelian Genomics, University Medical Centre Ljubljana
Classification: Uncertain significance for Timothy syndrome. Last evaluated: 2019-08-14. Review status: criteria provided, single submitter. Criteria: ACMG Guidelines, 2015. Collection method: clinical testing. Allele origin: unknown. Affected: yes.
Comment: This variant was classified as: Uncertain significance. The available evidence on this variant's pathogenicity is insufficient or conflicting. The following ACMG criteria were applied in classifying this variant: BP6.

Eurofins Ntd Llc (ga)
Classification: Uncertain significance. Last evaluated: 2016-06-03. Review status: criteria provided, single submitter. Criteria: EGL Classification Definitions 2015. Collection method: clinical testing. Allele origin: germline. Observed: 5 variant alleles, 2 heterozygotes.